The following is an entry in ClinVar:

ClinVar aggregate classification (germline): Pathogenic. Review status: criteria provided, single submitter (1 of 4 stars). 2 submissions from 2 submitters: Pathogenic (1). 1 of the submissions does not count toward it. Last evaluated 2018-05-11.

Conditions:
Deficiency of butyryl-CoA dehydrogenase (ACADSD). Also called: SCAD DEFICIENCY, MILD; ACYL-CoA DEHYDROGENASE, SHORT-CHAIN, DEFICIENCY OF; SCAD Deficiency; SCADH DEFICIENCY; ACADS DEFICIENCY; Short-Chain Acyl-CoA Dehydrogenase Deficiency. Identifiers: Orphanet 26792, MedGen C0342783, MONDO:0008722, OMIM 201470. Disease mechanism: May be benign.

Submissions (2):

GeneDx
Classification: Pathogenic. Last evaluated: 2018-05-11. Review status: criteria provided, single submitter. Criteria: GeneDx Variant Classification (06012015). Collection method: clinical testing. Allele origin: germline. Affected: yes.
Comment: The Y123X nonsense variant in the ACADS gene is predicted to cause loss of normal protein function either through protein truncation or nonsense-mediated mRNA decay. The Y123X variant was not observed in approximately 6500 individuals of European and African American ancestry in the NHLBI Exome Sequencing Project, indicating it is not a common benign variant in these populations Although the Y123X variant has not been reported previously, to our knowledge, in a patient with short chain acyl-CoA dehydrogenase (SCAD) deficiency, we interpret Y123X as pathogenic.

Counsyl
Classification: Likely pathogenic for Deficiency of butyryl-CoA dehydrogenase. Last evaluated: 2016-02-22. Review status: no assertion criteria provided. Collection method: clinical testing. Allele origin: unknown. Not counted in ClinVar's aggregate classification.

NM_000017.4(ACADS):c.369C>G (p.Tyr123Ter)

Gene: ACADS (acyl-CoA dehydrogenase short chain; plus strand). Cytogenetic location: 12q24.31.
Variant type: single nucleotide variant.
Coding change: c.369C>G on transcript NM_000017.4 (MANE Select); coding-DNA position 369, C replaced by G.
Protein change: p.Tyr123Ter; replaces tyrosine 123 with a stop codon.
Molecular consequence: nonsense.
Genome position (GRCh38, 1-based): chr12:120,737,364, C>G. VCF-style: chr12-120737364-C-G. GRCh37 (hg19) VCF-style: chr12-121175167-C-G.
Other names: c.369C>G, p.Tyr123Ter (NM_001302554.2); short protein forms Y123*.
Identifiers: ClinVar variation 370525 (VCV000370525.4), dbSNP rs749491616, ClinGen allele CA16041566.